The following is an entry in ClinVar:

NM_004933.3(CDH15):c.1414G>A (p.Glu472Lys)

Gene: CDH15 (cadherin 15; plus strand). Cytogenetic location: 16q24.3.
Variant type: single nucleotide variant.
Coding change: c.1414G>A on transcript NM_004933.3 (MANE Select); coding-DNA position 1414, G replaced by A.
Protein change: p.Glu472Lys; replaces glutamic acid 472 with lysine.
Molecular consequence: missense variant.
Genome position (GRCh38, 1-based): chr16:89,191,693, G>A. VCF-style: chr16-89191693-G-A. GRCh37 (hg19) VCF-style: chr16-89258101-G-A.
Other names: short protein forms E472K.
Identifiers: ClinVar variation 3998827 (VCV003998827.2).

ClinVar aggregate classification (germline): Uncertain significance. Review status: criteria provided, multiple submitters, no conflicts (2 of 4 stars). 2 submissions from 2 submitters: Uncertain significance (2). Last evaluated 2026-02-27.

Submissions (2):

Women's Health and Genetics/Laboratory Corporation of America, LabCorp
Classification: Uncertain significance. Last evaluated: 2026-02-27. Review status: criteria provided, single submitter. Criteria: LabCorp Variant Classification Summary - May 2015. Collection method: clinical testing. Allele origin: germline.
Comment: Variant summary: CDH15 c.1414G>A (p.Glu472Lys) results in a conservative amino acid change in the encoded protein sequence. Algorithms developed to predict the effect of missense changes on protein structure and function are either unavailable or do not agree on the potential impact of this missense change. The variant allele was found at a frequency of 4.6e-06 in 219262 control chromosomes. The available data on variant occurrences in the general population are insufficient to allow any conclusion about variant significance. To our knowledge, no occurrence of c.1414G>A in individuals affected with CDH15-related conditions and no experimental evidence demonstrating its impact on protein function have been reported. ClinVar contains an entry for this variant (Variation ID: 3998827). Based on the evidence outlined above, the variant was classified as uncertain significance.

Ambry Genetics
Classification: Uncertain significance. Last evaluated: 2025-04-28. Review status: criteria provided, single submitter. Criteria: Ambry Variant Classification Scheme 2023. Collection method: clinical testing. Allele origin: germline.